The following is an entry in ClinVar:

NM_004055.5(CAPN5):c.1282A>G (p.Ile428Val)

Gene: CAPN5 (calpain 5; plus strand). Cytogenetic location: 11q13.5.
Variant type: single nucleotide variant.
Coding change: c.1282A>G on transcript NM_004055.5 (MANE Select); coding-DNA position 1282, A replaced by G.
Protein change: p.Ile428Val; replaces isoleucine 428 with valine.
Molecular consequence: missense variant.
Genome position (GRCh38, 1-based): chr11:77,119,144, A>G. VCF-style: chr11-77119144-A-G. GRCh37 (hg19) VCF-style: chr11-76830190-A-G.
Other names: short protein forms I428V.
Identifiers: ClinVar variation 941682 (VCV000941682.10), dbSNP rs147530510, ClinGen allele CA6196741.

ClinVar aggregate classification (germline): Conflicting classifications of pathogenicity. Review status: criteria provided, conflicting classifications (1 of 4 stars). 4 submissions from 4 submitters: Uncertain significance (2); Likely benign (1). 1 of the submissions does not count toward it. Last evaluated 2025-12-18.

Conditions:
Retinal dystrophy. Also called: Inherited retinal dystrophy. Identifiers: Orphanet 71862, MedGen C0854723, MeSH D058499, MONDO:0019118, HP:0000556.

Allele frequency attached by ClinVar (database versions not stated): ESP Exome Variant Server 0.00023; gnomAD 0.00026 and 0.00029; ExAC 0.00030; gnomAD exomes 0.00031 and 0.00046; TOPMed 0.00037.
gnomAD v4.1: 695 of 1,611,444 alleles (0.043%); highest among the groups gnomAD compares: Non-Finnish European, 0.054%; no homozygotes.

Submissions (4):

Labcorp Genetics (formerly Invitae), Labcorp
Classification: Uncertain significance. Last evaluated: 2025-12-18. Review status: criteria provided, single submitter. Criteria: Invitae Variant Classification Sherloc (09022015). Collection method: clinical testing. Allele origin: germline.
Comment: This sequence change replaces isoleucine, which is neutral and non-polar, with valine, which is neutral and non-polar, at codon 428 of the CAPN5 protein (p.Ile428Val). This variant is present in population databases (rs147530510, gnomAD 0.05%), and has an allele count higher than expected for a pathogenic variant. This variant has not been reported in the literature in individuals affected with CAPN5-related conditions. ClinVar contains an entry for this variant (Variation ID: 941682). Invitae Evidence Modeling of protein sequence and biophysical properties (such as structural, functional, and spatial information, amino acid conservation, physicochemical variation, residue mobility, and thermodynamic stability) indicates that this missense variant is not expected to disrupt CAPN5 protein function with a negative predictive value of 80%. In summary, the available evidence is currently insufficient to determine the role of this variant in disease. Therefore, it has been classified as a Variant of Uncertain Significance.

Blueprint Genetics
Classification: Likely benign. Last evaluated: 2024-11-06. Review status: criteria provided, single submitter. Criteria: ACMG Guidelines, 2015. Collection method: clinical testing. Allele origin: germline.

GeneDx
Classification: Uncertain significance. Last evaluated: 2023-12-28. Review status: criteria provided, single submitter. Criteria: GeneDx Variant Classification Process June 2021. Collection method: clinical testing. Allele origin: germline. Affected: yes.
Comment: In silico analysis supports that this missense variant does not alter protein structure/function; Has not been previously published as pathogenic or benign to our knowledge

Institute of Human Genetics, Univ. Regensburg, Univ. Regensburg
Classification: Uncertain significance for Retinal dystrophy. Last evaluated: 2023-01-01. Review status: no assertion criteria provided. Criteria: ACMG Guidelines, 2015. Collection method: clinical testing. Allele origin: germline. Affected: yes. Not counted in ClinVar's aggregate classification.